The following is an entry in ClinVar:

NM_000264.5(PTCH1):c.3884C>T (p.Pro1295Leu)

Gene: PTCH1 (patched 1; minus strand). Cytogenetic location: 9q22.32.
Variant type: single nucleotide variant.
Coding change: c.3884C>T on transcript NM_000264.5 (MANE Select); coding-DNA position 3884, C replaced by T.
Protein change: p.Pro1295Leu; replaces proline 1295 with leucine.
Molecular consequence: missense variant. On other transcripts: non-coding transcript variant (1).
Genome position (GRCh38, 1-based): chr9:95,447,372, G>A on the plus strand (C>T on the coding strand, the complement: PTCH1 is on the minus strand). VCF-style: chr9-95447372-G-A. GRCh37 (hg19) VCF-style: chr9-98209654-G-A.
Other names: c.3686C>T, p.Pro1229Leu (NM_001083602.3); c.3881C>T, p.Pro1294Leu (NM_001083603.3); c.3431C>T, p.Pro1144Leu (NM_001083604.3, NM_001083605.3, NM_001083606.3 and 1 more transcripts); c.3728C>T, p.Pro1243Leu (NM_001354918.2); short protein forms P1144L, P1229L, P1243L, P1295L, P1294L.
Identifiers: ClinVar variation 3784592 (VCV003784592.1).

ClinVar aggregate classification (germline): Uncertain significance (1 of 4 stars; one submission).

Conditions:
Hereditary cancer-predisposing syndrome. Also called: Neoplastic Syndromes, Hereditary; Hereditary Cancer Syndrome; Tumor predisposition; Hereditary neoplastic syndrome. Identifiers: Orphanet 140162, MedGen C0027672, MeSH D009386, MONDO:0015356.

gnomAD v4.1: 1 of 1,613,168 alleles (0.000062%); highest among the groups gnomAD compares: Non-Finnish European, 0.000085%; no homozygotes.

Submission:

Ambry Genetics
Classification: Uncertain significance for Hereditary cancer-predisposing syndrome. Last evaluated: 2024-12-17. Review status: criteria provided, single submitter. Criteria: Ambry Variant Classification Scheme 2023. Collection method: clinical testing. Allele origin: germline.
Comment: The p.P1295L variant (also known as c.3884C>T), located in coding exon 23 of the PTCH1 gene, results from a C to T substitution at nucleotide position 3884. The proline at codon 1295 is replaced by leucine, an amino acid with similar properties. This amino acid position is well conserved in available vertebrate species. In addition, this alteration is predicted to be tolerated by in silico analysis. Based on the available evidence, the clinical significance of this variant remains unclear.